The following is an entry in ClinVar:

NM_001369.3(DNAH5):c.7888-4A>G

Gene: DNAH5 (dynein axonemal heavy chain 5; minus strand). Cytogenetic location: 5p15.2.
Variant type: single nucleotide variant.
Coding change: c.7888-4A>G on transcript NM_001369.3 (MANE Select); 4 bases into the intron before coding-DNA position 7888, A replaced by G.
Molecular consequence: intron variant.
Genome position (GRCh38, 1-based): chr5:13,794,062, T>C on the plus strand (A>G on the coding strand, the complement: DNAH5 is on the minus strand). VCF-style: chr5-13794062-T-C. GRCh37 (hg19) VCF-style: chr5-13794171-T-C.
Identifiers: ClinVar variation 702541 (VCV000702541.16), dbSNP rs775268409, ClinGen allele CA3202962.
Genomic context (GRCh38, chr5:13,794,062, plus strand): 5'-CGCAGGAGGGCCATATGTTGTACCCATTCGTTTATCCACATAGCTCTCTATCGTCCTCTG[T>C]GAAAAAAAAATCAACTGAAACATCTGTGAAAATATCCCCTAAAACCTGGTCAATTATTTT-3'

ClinVar aggregate classification (germline): Conflicting classifications of pathogenicity. Review status: criteria provided, conflicting classifications (1 of 4 stars). 5 submissions from 5 submitters: Uncertain significance (1); Likely benign (1). 3 of the submissions do not count toward it. Last evaluated 2025-10-02.

Conditions:
Primary ciliary dyskinesia. Also called: Ciliary dyskinesia. Identifiers: Orphanet 244, MedGen C0008780, MONDO:0016575, HP:0012265.

Allele frequency attached by ClinVar (database versions not stated): gnomAD exomes 0.00001 and 0.00003; ExAC 0.00002; TOPMed 0.00006; gnomAD 0.00007 and 0.00008.
gnomAD v4.1: 55 of 1,613,600 alleles (0.0034%); highest among the groups gnomAD compares: Middle Eastern, 0.033%; no homozygotes.

Submissions (5):

Labcorp Genetics (formerly Invitae), Labcorp
Classification: Likely benign for Primary ciliary dyskinesia. Last evaluated: 2025-10-02. Review status: criteria provided, single submitter. Criteria: Invitae Variant Classification Sherloc (09022015). Collection method: clinical testing. Allele origin: germline.

Ambry Genetics
Classification: Uncertain significance for Primary ciliary dyskinesia. Last evaluated: 2015-03-25. Review status: criteria provided, single submitter. Criteria: Ambry Variant Classification Scheme 2023. Collection method: clinical testing. Allele origin: germline.
Comment: The c.7888-4A>G intronic variant results from an A to G substitution 4 nucleotides upstream from coding exon 48 in the DNAH5 gene. This variant was not reported in population based cohorts in the following databases: Database of Single Nucleotide Polymorphisms (dbSNP) and 1000 Genomes Project. In the ESP, this variant was not observed in 6503 samples (13006 alleles) with coverage at this position. This nucleotide position is well conserved in available vertebrate species. Using the BDGP and ESEfinder splice site prediction tools, this alteration is not predicted to have any significant effect on this acceptor splice site; however, direct evidence is unavailable. Since supporting evidence is limited at this time, the clinical significance of this variant remains unclear.

Natera, Inc.
Classification: Uncertain significance for Primary ciliary dyskinesia. Last evaluated: 2020-02-13. Review status: no assertion criteria provided. Collection method: clinical testing. Allele origin: germline. Not counted in ClinVar's aggregate classification.

Clinical Genetics DNA and cytogenetics Diagnostics Lab, Erasmus MC, Erasmus Medical Center
Classification: Likely benign. Review status: no assertion criteria provided. Collection method: clinical testing. Allele origin: germline. Affected: yes. Study: VKGL Data-share Consensus. Not counted in ClinVar's aggregate classification.

Genome Diagnostics Laboratory, University Medical Center Utrecht
Classification: Likely benign. Review status: no assertion criteria provided. Collection method: clinical testing. Allele origin: germline. Affected: yes. Study: VKGL Data-share Consensus. Not counted in ClinVar's aggregate classification.